The following is an entry in ClinVar:

ClinVar aggregate classification (germline): Uncertain significance. Review status: criteria provided, multiple submitters, no conflicts (2 of 4 stars). 2 submissions from 2 submitters: Uncertain significance (2). Last evaluated 2026-07-24.

Conditions:
Congenital contractural arachnodactyly (CCA). Also called: BEALS SYNDROME; Beals-Hecht syndrome; Arthrogryposis, distal, type 9. Identifiers: Orphanet 115, MedGen C0220668, MONDO:0007363, OMIM 121050.
Familial thoracic aortic aneurysm and aortic dissection (TAAD). Also called: Thoracic aortic aneurysms and dissections. Identifiers: Orphanet 91387, MedGen C4707243, MONDO:0019625.

Allele frequency attached by ClinVar (database versions not stated): gnomAD exomes 0.00001; TOPMed 0.00001.
gnomAD v4.1: 12 of 1,613,884 alleles (0.00074%); highest among the groups gnomAD compares: Non-Finnish European, 0.001%; no homozygotes.

Submissions (2):

Ambry Genetics
Classification: Uncertain significance for Familial thoracic aortic aneurysm and aortic dissection. Last evaluated: 2026-07-24. Review status: criteria provided, single submitter. Criteria: Ambry Variant Classification Scheme 2023. Collection method: clinical testing. Allele origin: germline.
Comment: The p.G2576V variant (also known as c.7727G>T), located in coding exon 61 of the FBN2 gene, results from a G to T substitution at nucleotide position 7727. The glycine at codon 2576 is replaced by valine, an amino acid with dissimilar properties. This amino acid position is conserved. In addition, the in silico prediction for this alteration is inconclusive. Based on the available evidence, the clinical significance of this variant remains unclear.

Labcorp Genetics (formerly Invitae), Labcorp
Classification: Uncertain significance for Congenital contractural arachnodactyly. Last evaluated: 2018-01-18. Review status: criteria provided, single submitter. Criteria: Invitae Variant Classification Sherloc (09022015). Collection method: clinical testing. Allele origin: germline.
Comment: This sequence change replaces glycine with valine at codon 2576 of the FBN2 protein (p.Gly2576Val). The glycine residue is highly conserved and there is a moderate physicochemical difference between glycine and valine. In summary, the available evidence is currently insufficient to determine the role of this variant in disease. Therefore, it has been classified as a Variant of Uncertain Significance. Algorithms developed to predict the effect of missense changes on protein structure and function do not agree on the potential impact of this missense change (SIFT: "Deleterious"; PolyPhen-2: "Benign"; Align-GVGD: "Class C0"). This variant has not been reported in the literature in individuals with FBN2-related disease. This variant is not present in population databases (ExAC no frequency).

NM_001999.4(FBN2):c.7727G>T (p.Gly2576Val)

Gene: FBN2 (fibrillin 2; minus strand). Cytogenetic location: 5q23.3.
Variant type: single nucleotide variant.
Coding change: c.7727G>T on transcript NM_001999.4 (MANE Select); coding-DNA position 7727, G replaced by T.
Protein change: p.Gly2576Val; replaces glycine 2576 with valine.
Molecular consequence: missense variant.
Genome position (GRCh38, 1-based): chr5:128,273,953, C>A on the plus strand (G>T on the coding strand, the complement: FBN2 is on the minus strand). VCF-style: chr5-128273953-C-A. GRCh37 (hg19) VCF-style: chr5-127609645-C-A.
Other names: short protein forms G2576V.
Identifiers: ClinVar variation 572736 (VCV000572736.10), dbSNP rs572453085, ClinGen allele CA127019858.